The following is an entry in ClinVar:

NM_006279.5(ST3GAL3):c.514A>C (p.Lys172Gln)

Gene: ST3GAL3 (ST3 beta-galactoside alpha-2,3-sialyltransferase 3; plus strand). Cytogenetic location: 1p34.1.
Variant type: single nucleotide variant.
Coding change: c.514A>C on transcript NM_006279.5 (MANE Select); coding-DNA position 514, A replaced by C.
Protein change: p.Lys172Gln; replaces lysine 172 with glutamine.
Molecular consequence: missense variant. On other transcripts: non-coding transcript variant (7), intron variant (4).
Genome position (GRCh38, 1-based): chr1:43,899,220, A>C. VCF-style: chr1-43899220-A-C. GRCh37 (hg19) VCF-style: chr1-44364892-A-C.
Other names: c.514A>C, p.Lys172Gln (NM_001270459.2, NM_001350620.2, NM_174966.4); c.421A>C, p.Lys141Gln (NM_001270460.2); c.466A>C, p.Lys156Gln (NM_001270461.3, NM_001270464.3, NM_001410781.1 and 1 more transcripts); c.373A>C, p.Lys125Gln (NM_001270462.3); c.511A>C, p.Lys171Gln (NM_001270463.3, NM_001270465.3); c.559A>C, p.Lys187Gln (NM_001350619.2, NM_174964.4); c.235A>C, p.Lys79Gln (NM_001350621.2); c.676A>C, p.Lys226Gln (NM_001363573.2, NM_174968.5); and 6 more; short protein forms K125Q, K171Q, K172Q, K187Q, K141Q, K156Q, K241Q, K79Q.
Identifiers: ClinVar variation 2095569 (VCV002095569.4), dbSNP rs751252385, ClinGen allele CA814727.

ClinVar aggregate classification (germline): Uncertain significance (1 of 4 stars; one submission).

Conditions:
Early-infantile DEE. Also called: Early infantile epileptic encephalopathy; Early infantile epileptic encephalopathy with suppression bursts; Ohtahara syndrome. Identifiers: Orphanet 1934, MedGen C0393706, MONDO:0800491.

Allele frequency attached by ClinVar (database versions not stated): ExAC 0.00001; gnomAD exomes below 0.00001.
gnomAD v4.1: 1 of 1,614,040 alleles (0.000062%); highest among the groups gnomAD compares: Non-Finnish European, 0.000085%; no homozygotes.

Submission:

Labcorp Genetics (formerly Invitae), Labcorp
Classification: Uncertain significance for Early-infantile DEE. Last evaluated: 2022-07-26. Review status: criteria provided, single submitter. Criteria: Invitae Variant Classification Sherloc (09022015). Collection method: clinical testing. Allele origin: germline.
Comment: This sequence change replaces lysine, which is basic and polar, with glutamine, which is neutral and polar, at codon 172 of the ST3GAL3 protein (p.Lys172Gln). This variant is present in population databases (rs751252385, gnomAD 0.0009%). This variant has not been reported in the literature in individuals affected with ST3GAL3-related conditions. Algorithms developed to predict the effect of missense changes on protein structure and function are either unavailable or do not agree on the potential impact of this missense change (SIFT: "Deleterious"; PolyPhen-2: "Probably Damaging"; Align-GVGD: "Class C0"). In summary, the available evidence is currently insufficient to determine the role of this variant in disease. Therefore, it has been classified as a Variant of Uncertain Significance.